The following is an entry in ClinVar:

NM_000540.3(RYR1):c.13590C>T (p.Pro4530=)

Gene: RYR1 (ryanodine receptor 1; plus strand). Cytogenetic location: 19q13.2.
Variant type: single nucleotide variant.
Coding change: c.13590C>T on transcript NM_000540.3 (MANE Select); coding-DNA position 13590, C replaced by T.
Protein change: p.Pro4530=; no amino-acid change (proline 4530 retained).
Molecular consequence: synonymous variant.
Genome position (GRCh38, 1-based): chr19:38,567,848, C>T. VCF-style: chr19-38567848-C-T. GRCh37 (hg19) VCF-style: chr19-39058488-C-T.
Other names: c.13575C>T, p.Pro4525= (NM_001042723.2).
Identifiers: ClinVar variation 3385601 (VCV003385601.1).

ClinVar aggregate classification (germline): Likely benign (1 of 4 stars; one submission).

Conditions:
Malignant hyperthermia, susceptibility to, 1 (MHS1). Also called: Anesthesia related hyperthermia; Malignant hyperpyrexia; Fulminating hyperpyrexia; Pharmacogenic myopathy; Malignant hyperthermia suceptibility 1; RYR1-Related Malignant Hyperthermia Susceptibility. Identifiers: Orphanet 423, MedGen C2930980, MONDO:0007783, OMIM 145600.

Submission:

All of Us Research Program, National Institutes of Health
Classification: Likely benign for Malignant hyperthermia, susceptibility to, 1. Last evaluated: 2024-04-25. Review status: criteria provided, single submitter. Criteria: ACMG Guidelines, 2015. Collection method: clinical testing. Allele origin: germline. Inheritance: Autosomal dominant inheritance. Observed: 1 variant allele, 1 heterozygote.
Comment: This study involves interpretation of variants in research participants for the purpose of population health screening. Participant phenotype was not available at the time of variant classification. Additional details can be found in publication PMID: 35346344, PMCID: PMC8962531